The following is an entry in ClinVar:

NM_001267550.2(TTN):c.12956C>T (p.Ala4319Val)

Gene: TTN (titin; minus strand). Cytogenetic location: 2q31.2.
Variant type: single nucleotide variant.
Coding change: c.12956C>T on transcript NM_001267550.2 (MANE Select); coding-DNA position 12956, C replaced by T.
Protein change: p.Ala4319Val; replaces alanine 4319 with valine.
Molecular consequence: missense variant. On other transcripts: intron variant (1).
Genome position (GRCh38, 1-based): chr2:178,740,277, G>A on the plus strand (C>T on the coding strand, the complement: TTN is on the minus strand). VCF-style: chr2-178740277-G-A. GRCh37 (hg19) VCF-style: chr2-179605004-G-A.
Other names: c.12005C>T, p.Ala4002Val (NM_001256850.1); c.11867C>T, p.Ala3956Val (NM_003319.4); c.12242C>T, p.Ala4081Val (NM_133432.3); c.12443C>T, p.Ala4148Val (NM_133437.4); c.10361-1917C>T (NM_133378.4); short protein forms A3956V, A4081V, A4002V, A4148V, A4319V.
Identifiers: ClinVar variation 668150 (VCV000668150.1), dbSNP rs1218345918, ClinGen allele CA349609851.
Genomic context (GRCh38, chr2:178,740,277, plus strand): 5'-ACCTGCTTTTCTTCAAGTGCTAGTGGAAATCTTAAGGACTTGCCTTCCTCAATTCTGACC[G>A]CAGAATCTTGCCCTGCATTTTCCAGTGGATTTGCACTTTCTATCAAAATTTTACCTCCTT-3'
Protein context (NP_001254479.2, residues 4309-4329): NPLENAGQDS[Ala4319Val]VRIEEGKSLR

ClinVar aggregate classification (germline): Likely benign (1 of 4 stars; one submission).

Allele frequency attached by ClinVar (database versions not stated): TOPMed 0.00001 and below 0.00001; gnomAD 0.00001; gnomAD exomes 0.00001.
gnomAD v4.1: 17 of 1,613,430 alleles (0.0011%); highest among the groups gnomAD compares: East Asian, 0.0067%; no homozygotes.

Submission:

GeneDx
Classification: Likely benign. Last evaluated: 2018-05-11. Review status: criteria provided, single submitter. Criteria: GeneDx Variant Classification (06012015). Collection method: clinical testing. Allele origin: germline. Affected: yes.
Comment: This variant is considered likely benign or benign based on one or more of the following criteria: it is a conservative change, it occurs at a poorly conserved position in the protein, it is predicted to be benign by multiple in silico algorithms, and/or has population frequency not consistent with disease.